The following is an entry in ClinVar:

NM_177438.3(DICER1):c.2824C>A (p.Pro942Thr)

Gene: DICER1 (dicer 1, ribonuclease III; minus strand). Cytogenetic location: 14q32.13.
Variant type: single nucleotide variant.
Coding change: c.2824C>A on transcript NM_177438.3 (MANE Select); coding-DNA position 2824, C replaced by A.
Protein change: p.Pro942Thr; replaces proline 942 with threonine.
Molecular consequence: missense variant. On other transcripts: non-coding transcript variant (6).
Genome position (GRCh38, 1-based): chr14:95,106,204, G>T on the plus strand (C>A on the coding strand, the complement: DICER1 is on the minus strand). VCF-style: chr14-95106204-G-T. GRCh37 (hg19) VCF-style: chr14-95572541-G-T.
Other names: c.2824C>A, p.Pro942Thr (NM_001195573.1, NM_001271282.3, NM_001291628.2 and 12 more transcripts); c.2542C>A, p.Pro848Thr (NM_001395686.1); c.2419C>A, p.Pro807Thr (NM_001395687.1, NM_001395688.1, NM_001395689.1 and 2 more transcripts); c.2257C>A, p.Pro753Thr (NM_001395691.1); c.1141C>A, p.Pro381Thr (NM_001395697.1); short protein forms P381T, P753T, P807T, P848T, P942T.
Identifiers: ClinVar variation 4869788 (VCV004869788.1).

ClinVar aggregate classification (germline): Uncertain significance (1 of 4 stars; one submission).

Conditions:
Hereditary cancer-predisposing syndrome. Also called: Neoplastic Syndromes, Hereditary; Tumor predisposition; Hereditary Cancer Syndrome; Hereditary neoplastic syndrome. Identifiers: Orphanet 140162, MedGen C0027672, MeSH D009386, MONDO:0015356.

Submission:

Ambry Genetics
Classification: Uncertain significance for Hereditary cancer-predisposing syndrome. Last evaluated: 2026-05-14. Review status: criteria provided, single submitter. Criteria: Ambry Variant Classification Scheme 2023. Collection method: clinical testing. Allele origin: germline.
Comment: The p.P942T variant (also known as c.2824C>A), located in coding exon 17 of the DICER1 gene, results from a C to A substitution at nucleotide position 2824. The proline at codon 942 is replaced by threonine, an amino acid with highly similar properties. This amino acid position is conserved. In addition, the in silico prediction for this alteration is inconclusive. Based on the available evidence, the clinical significance of this variant remains unclear.